The following is an entry in ClinVar:

NM_014014.5(SNRNP200):c.5077C>T (p.Arg1693Cys)

Genes: SNRNP200 (small nuclear ribonucleoprotein U5 subunit 200; minus strand), LOC126806272 (BRD4-independent group 4 enhancer GRCh37_chr2:96944520-96945719; plus strand). Cytogenetic location: 2q11.2.
Variant type: single nucleotide variant.
Coding change: c.5077C>T on transcript NM_014014.5 (MANE Select); coding-DNA position 5077, C replaced by T.
Protein change: p.Arg1693Cys; replaces arginine 1693 with cysteine.
Molecular consequence: missense variant.
Genome position (GRCh38, 1-based): chr2:96,279,507, G>A on the plus strand (C>T on the coding strand, the complement: SNRNP200 is on the minus strand). VCF-style: chr2-96279507-G-A. GRCh37 (hg19) VCF-style: chr2-96945245-G-A.
Other names: short protein forms R1693C.
Identifiers: ClinVar variation 860835 (VCV000860835.12), dbSNP rs375062852, ClinGen allele CA1778037.

ClinVar aggregate classification (germline): Uncertain significance. Review status: criteria provided, multiple submitters, no conflicts (2 of 4 stars). 3 submissions from 3 submitters: Uncertain significance (2). 1 of the submissions does not count toward it. Last evaluated 2025-04-30.

Conditions:
SNRNP200-related disorder. Also called: SNRNP200-related condition.

Allele frequency attached by ClinVar (database versions not stated): gnomAD exomes 0.00001; ExAC 0.00002; ESP Exome Variant Server 0.00008.

Submissions (3):

Labcorp Genetics (formerly Invitae), Labcorp
Classification: Uncertain significance. Last evaluated: 2025-04-30. Review status: criteria provided, single submitter. Criteria: Invitae Variant Classification Sherloc (09022015). Collection method: clinical testing. Allele origin: germline.
Comment: This sequence change replaces arginine, which is basic and polar, with cysteine, which is neutral and slightly polar, at codon 1693 of the SNRNP200 protein (p.Arg1693Cys). This variant is present in population databases (rs375062852, gnomAD 0.003%). This missense change has been observed in individual(s) with early-onset high myopia (PMID: 29453956). ClinVar contains an entry for this variant (Variation ID: 860835). Invitae Evidence Modeling of protein sequence and biophysical properties (such as structural, functional, and spatial information, amino acid conservation, physicochemical variation, residue mobility, and thermodynamic stability) has been performed for this missense variant. However, the output from this modeling did not meet the statistical confidence thresholds required to predict the impact of this variant on SNRNP200 protein function. In summary, the available evidence is currently insufficient to determine the role of this variant in disease. Therefore, it has been classified as a Variant of Uncertain Significance.

Blueprint Genetics
Classification: Uncertain significance. Last evaluated: 2022-05-20. Review status: criteria provided, single submitter. Criteria: ACMG Guidelines, 2015. Collection method: clinical testing. Allele origin: germline.

PreventionGenetics, part of Exact Sciences
Classification: Uncertain significance for SNRNP200-related condition. Last evaluated: 2024-09-12. Review status: no assertion criteria provided. Collection method: clinical testing. Allele origin: germline. Not counted in ClinVar's aggregate classification.
Comment: The SNRNP200 c.5077C>T variant is predicted to result in the amino acid substitution p.Arg1693Cys. This variant has been reported in an individual with early-onset high myopia (eoHM) (Zhou et al. 2018. PubMed ID: 29453956). While those with other ocular diagnosis were excluded from the pediatric cohort, whether follow up was performed was not specified. This variant is reported in 0.0029% of alleles in individuals of Latino descent in gnomAD. At this time, the clinical significance of this variant is uncertain due to the absence of conclusive functional and genetic evidence.

Literature cited by the submitters: PubMed 29453956 (cited by Labcorp Genetics (formerly Invitae), Labcorp).